The following is an entry in ClinVar:

NM_004369.4(COL6A3):c.5461C>T (p.His1821Tyr)

Gene: COL6A3 (collagen type VI alpha 3 chain; minus strand). Cytogenetic location: 2q37.3.
Variant type: single nucleotide variant.
Coding change: c.5461C>T on transcript NM_004369.4 (MANE Select); coding-DNA position 5461, C replaced by T.
Protein change: p.His1821Tyr; replaces histidine 1821 with tyrosine.
Molecular consequence: missense variant.
Genome position (GRCh38, 1-based): chr2:237,366,726, G>A on the plus strand (C>T on the coding strand, the complement: COL6A3 is on the minus strand). VCF-style: chr2-237366726-G-A. GRCh37 (hg19) VCF-style: chr2-238275369-G-A.
Other names: c.3640C>T, p.His1214Tyr (NM_057166.5); c.4843C>T, p.His1615Tyr (NM_057167.4); short protein forms H1214Y, H1615Y, H1821Y.
Identifiers: ClinVar variation 1448061 (VCV001448061.8), dbSNP rs2077562058, ClinGen allele CA351187301.

ClinVar aggregate classification (germline): Uncertain significance (1 of 4 stars; one submission).

Conditions:
Bethlem myopathy 1A. Also called: MYOPATHY, BENIGN CONGENITAL, WITH CONTRACTURES; Bethlem Muscular Dystrophy; Bethlem myopathy 1. Identifiers: Orphanet 610, MedGen CN029274, MONDO:0024530, OMIM 158810.

Allele frequency attached by ClinVar (database versions not stated): gnomAD exomes below 0.00001; gnomAD 0.00001.
gnomAD v4.1: 2 of 1,614,144 alleles (0.00012%); highest among the groups gnomAD compares: African/African-American, 0.0013%; no homozygotes.

Submission:

Labcorp Genetics (formerly Invitae), Labcorp
Classification: Uncertain significance for Bethlem myopathy 1A. Last evaluated: 2021-04-23. Review status: criteria provided, single submitter. Criteria: Invitae Variant Classification Sherloc (09022015). Collection method: clinical testing. Allele origin: germline.
Comment: In summary, the available evidence is currently insufficient to determine the role of this variant in disease. Therefore, it has been classified as a Variant of Uncertain Significance. Algorithms developed to predict the effect of sequence changes on RNA splicing suggest that this variant may create or strengthen a splice site, but this prediction has not been confirmed by published transcriptional studies. Advanced modeling of protein sequence and biophysical properties (such as structural, functional, and spatial information, amino acid conservation, physicochemical variation, residue mobility, and thermodynamic stability) performed at Invitae indicates that this missense variant is not expected to disrupt COL6A3 protein function. This variant has not been reported in the literature in individuals with COL6A3-related conditions. This variant is not present in population databases (ExAC no frequency). This sequence change replaces histidine with tyrosine at codon 1821 of the COL6A3 protein (p.His1821Tyr). The histidine residue is moderately conserved and there is a moderate physicochemical difference between histidine and tyrosine.